The following is an entry in ClinVar:

NM_000142.5(FGFR3):c.1492C>T (p.Arg498Trp)

Gene: FGFR3 (fibroblast growth factor receptor 3; plus strand). Cytogenetic location: 4p16.3.
Variant type: single nucleotide variant.
Coding change: c.1492C>T on transcript NM_000142.5 (MANE Select); coding-DNA position 1492, C replaced by T.
Protein change: p.Arg498Trp; replaces arginine 498 with tryptophan.
Molecular consequence: missense variant. On other transcripts: non-coding transcript variant (1).
Genome position (GRCh38, 1-based): chr4:1,805,434, C>T. VCF-style: chr4-1805434-C-T. GRCh37 (hg19) VCF-style: chr4-1807161-C-T.
Other names: NP_001156685.1:p.Arg500Trp; c.1498C>T, p.Arg500Trp (NM_001163213.2); c.1495C>T, p.Arg499Trp (NM_001354809.2, NM_001354810.2); c.1156C>T, p.Arg386Trp (NM_022965.4); short protein forms R386W, R498W, R499W, R500W.
Identifiers: ClinVar variation 1205996 (VCV001205996.8), dbSNP rs773735098, ClinGen allele CA2810412.

ClinVar aggregate classification (germline): Uncertain significance. Review status: criteria provided, multiple submitters, no conflicts (2 of 4 stars). 5 submissions from 5 submitters: Uncertain significance (3). 2 of the submissions do not count toward it. Last evaluated 2025-10-26.

Conditions:
Achondroplasia (ACH). Also called: Achondroplastic dwarfism. Identifiers: Orphanet 15, MedGen C0001080, MONDO:0007037, OMIM 100800. Disease mechanism: gain of function.

Allele frequency attached by ClinVar (database versions not stated): gnomAD exomes 0.00005 and 0.00008; gnomAD 0.00007 and 0.00008; ExAC 0.00009; TOPMed 0.00009.

Submissions (5):

Pediatrics Department, King Faisal Specialist Hospital and Research Centre
Classification: Uncertain significance for Achondroplasia. Last evaluated: 2025-10-26. Review status: criteria provided, single submitter. Criteria: ACMG Guidelines, 2015. Collection method: clinical testing. Allele origin: de novo. Inheritance: Autosomal dominant inheritance. Affected: yes. Observed: 1 heterozygote.
Comment: Classified as a Variant of Uncertain Significance (VUS). This missense variant (p.Arg500Trp) is absent from population databases (PM2). The evidence is currently insufficient to determine the role, if any, of this FGFR3 variant in the patient's clinical presentation.

Labcorp Genetics (formerly Invitae), Labcorp
Classification: Uncertain significance. Last evaluated: 2025-01-15. Review status: criteria provided, single submitter. Criteria: Invitae Variant Classification Sherloc (09022015). Collection method: clinical testing. Allele origin: germline.
Comment: This sequence change replaces arginine, which is basic and polar, with tryptophan, which is neutral and slightly polar, at codon 498 of the FGFR3 protein (p.Arg498Trp). This variant is present in population databases (rs773735098, gnomAD 0.03%), and has an allele count higher than expected for a pathogenic variant. This variant has not been reported in the literature in individuals affected with FGFR3-related conditions. ClinVar contains an entry for this variant (Variation ID: 1205996). Invitae Evidence Modeling of protein sequence and biophysical properties (such as structural, functional, and spatial information, amino acid conservation, physicochemical variation, residue mobility, and thermodynamic stability) has been performed for this missense variant. However, the output from this modeling did not meet the statistical confidence thresholds required to predict the impact of this variant on FGFR3 protein function. In summary, the available evidence is currently insufficient to determine the role of this variant in disease. Therefore, it has been classified as a Variant of Uncertain Significance.

Genomic Medicine Center of Excellence, King Faisal Specialist Hospital and Research Centre
Classification: Uncertain significance for Achondroplasia. Last evaluated: 2024-09-22. Review status: criteria provided, single submitter. Criteria: ACMG Guidelines, 2015. Collection method: clinical testing. Allele origin: germline.

Clinical Genetics DNA and cytogenetics Diagnostics Lab, Erasmus MC, Erasmus Medical Center
Classification: Uncertain significance. Review status: no assertion criteria provided. Collection method: clinical testing. Allele origin: germline. Affected: yes. Study: VKGL Data-share Consensus. Not counted in ClinVar's aggregate classification.

Laboratory of Diagnostic Genome Analysis, Leiden University Medical Center (LUMC)
Classification: Uncertain significance. Review status: no assertion criteria provided. Collection method: clinical testing. Allele origin: germline. Affected: yes. Study: VKGL Data-share Consensus. Not counted in ClinVar's aggregate classification.